The following is an entry in ClinVar:

NM_000083.3(CLCN1):c.1919T>G (p.Val640Gly)

Gene: CLCN1 (chloride voltage-gated channel 1; plus strand). Cytogenetic location: 7q34.
Variant type: single nucleotide variant.
Coding change: c.1919T>G on transcript NM_000083.3 (MANE Select); coding-DNA position 1919, T replaced by G.
Protein change: p.Val640Gly; replaces valine 640 with glycine.
Molecular consequence: missense variant. On other transcripts: non-coding transcript variant (1).
Genome position (GRCh38, 1-based): chr7:143,342,494, T>G. VCF-style: chr7-143342494-T-G. GRCh37 (hg19) VCF-style: chr7-143039587-T-G.
Other names: short protein forms V640G.
Identifiers: ClinVar variation 1013568 (VCV001013568.44), dbSNP rs1803111906, ClinGen allele CA369648153.

ClinVar aggregate classification (germline): Conflicting classifications of pathogenicity. Review status: criteria provided, conflicting classifications (1 of 4 stars). 4 submissions from 4 submitters: Pathogenic (1); Likely pathogenic (2); Uncertain significance (1). Last evaluated 2024-08-16.

Conditions:
Congenital myotonia, autosomal recessive form. Also called: myotonia congenita, autosomal recessive; BECKER DISEASE; Becker Generalized Myotonia. Identifiers: Orphanet 614, MedGen C0751360, MONDO:0009715, OMIM 255700.
Congenital myotonia, autosomal dominant form (THD). Also called: THOMSEN DISEASE; Myotonia congenita autosomal dominant. Identifiers: Orphanet 614, MedGen C2936781, MONDO:0008055, OMIM 160800.

Allele frequency attached by ClinVar (database versions not stated): gnomAD exomes below 0.00001.
gnomAD v4.1: 2 of 1,614,162 alleles (0.00012%); highest among the groups gnomAD compares: Non-Finnish European, 0.00017%; no homozygotes.

Submissions (4):

Women's Health and Genetics/Laboratory Corporation of America, LabCorp
Classification: Likely pathogenic for Congenital myotonia, autosomal recessive form. Last evaluated: 2024-08-16. Review status: criteria provided, single submitter. Criteria: LabCorp Variant Classification Summary - May 2015. Collection method: clinical testing. Allele origin: germline.
Comment: Variant summary: CLCN1 c.1919T>G (p.Val640Gly) results in a non-conservative amino acid change in the encoded protein sequence. Five of five in-silico tools predict a damaging effect of the variant on protein function. The variant was absent in 251442 control chromosomes. c.1919T>G has been reported in the literature in a compound heterozygous individual affected with Myotonia congenita and a heterozygous individual affected with Myotonia congenita with the second allele change unknown (Imbrici_2015, Brugnoni_2013). At least one publication reports experimental evidence evaluating an impact on protein function. The most pronounced variant effect results in drastically reduced channel protein activity (6.4% of wild type) in a patch-clamp study assay (Imbrici_2015). The following publications have been ascertained in the context of this evaluation (PMID: 23739125, 26096614). ClinVar contains an entry for this variant (Variation ID: 1013568). Based on the evidence outlined above, the variant was classified as likely pathogenic.

MGZ Medical Genetics Center
Classification: Likely pathogenic for Congenital myotonia, autosomal recessive form. Last evaluated: 2022-05-31. Review status: criteria provided, single submitter. Criteria: ACMG Guidelines, 2015. Collection method: clinical testing. Allele origin: germline. Affected: yes. Observed: 1 variant allele.
Comment: ACMG criteria applied: PS3, PS4_SUP, PM2_SUP, PP3

Labcorp Genetics (formerly Invitae), Labcorp
Classification: Uncertain significance for Congenital myotonia, autosomal recessive form; Congenital myotonia, autosomal dominant form. Last evaluated: 2022-01-05. Review status: criteria provided, single submitter. Criteria: Invitae Variant Classification Sherloc (09022015). Collection method: clinical testing. Allele origin: germline.
Comment: This sequence change replaces valine, which is neutral and non-polar, with glycine, which is neutral and non-polar, at codon 640 of the CLCN1 protein (p.Val640Gly). This variant is not present in population databases (gnomAD no frequency). This missense change has been observed in individual(s) with autosomal recessive myotonia congenita (PMID: 23739125, 26096614). ClinVar contains an entry for this variant (Variation ID: 1013568). Advanced modeling of protein sequence and biophysical properties (such as structural, functional, and spatial information, amino acid conservation, physicochemical variation, residue mobility, and thermodynamic stability) performed at Invitae indicates that this missense variant is expected to disrupt CLCN1 protein function. Experimental studies have shown that this missense change affects CLCN1 function (PMID: 26096614). Algorithms developed to predict the effect of sequence changes on RNA splicing suggest that this variant may create or strengthen a splice site. In summary, the available evidence is currently insufficient to determine the role of this variant in disease. Therefore, it has been classified as a Variant of Uncertain Significance.

CeGaT Center for Human Genetics Tuebingen
Classification: Pathogenic. Last evaluated: 2020-10-01. Review status: criteria provided, single submitter. Criteria: CeGaT Center For Human Genetics Tuebingen Variant Classification Criteria Version 2. Collection method: clinical testing. Allele origin: germline. Affected: yes. Observed: 2 variant alleles.

Literature cited by the submitters: PubMed 23739125 (cited by Women's Health and Genetics/Laboratory Corporation of America, LabCorp and Labcorp Genetics (formerly Invitae), Labcorp); PubMed 26096614 (cited by Women's Health and Genetics/Laboratory Corporation of America, LabCorp and Labcorp Genetics (formerly Invitae), Labcorp).